The following is an entry in ClinVar:

ClinVar aggregate classification (germline): Conflicting classifications of pathogenicity. Review status: criteria provided, conflicting classifications (1 of 4 stars). 13 submissions from 11 submitters: Uncertain significance (10); Benign (1); Likely benign (2). Last evaluated 2026-05-26.

Conditions:
Germ cell tumor of testis (TGCT). Also called: Testicular germ cell tumor; GERM CELL TUMOR, SOMATIC. Identifiers: Orphanet 363504, MedGen C1336708, MONDO:0010108, OMIM 273300.
Piebaldism. Also called: Piebald skin depigmentation. Identifiers: Orphanet 2884, MedGen C0080024, MONDO:0008244, OMIM 172800, HP:0007544.
Acute myeloid leukemia (AML). Also called: Leukemia, acute myeloid, somatic; Acute myeloid leukemia, adult; AML adult; Acute non-lymphocytic leukemia; Acute granulocytic leukemia; Leukemia, acute myelogenous, somatic. Identifiers: Orphanet 519, MedGen C0023467, MeSH D015470, MONDO:0018874, OMIM 601626, HP:0004808. Disease mechanism: Constitutively activated FLT3.
Cutaneous mastocytosis. Also called: MASTOCYTOSIS, MACULOPAPULAR CUTANEOUS. Identifiers: Orphanet 66646, MedGen C1136033, MONDO:0019023, OMIM 154800, HP:0200151.
Gastrointestinal stromal tumor. Also called: Gastrointestinal stromal tumor, somatic; Gastrointestinal stroma tumor. Identifiers: Orphanet 44890, MedGen C0238198, MeSH D046152, MONDO:0011719, OMIM 606764, HP:0100723.
KIT-related disorder. Also called: KIT-related condition.
Hereditary cancer-predisposing syndrome. Also called: Tumor predisposition; Hereditary neoplastic syndrome; Hereditary Cancer Syndrome; Neoplastic Syndromes, Hereditary. Identifiers: Orphanet 140162, MedGen C0027672, MeSH D009386, MONDO:0015356.
Mastocytosis. Also called: Mast Cell Disease. Identifiers: Orphanet 98292, MedGen C0024899, MONDO:0007950, HP:0100495.

Allele frequency attached by ClinVar (database versions not stated): TOPMed 0.00003.
gnomAD v4.1: 87 of 1,614,054 alleles (0.0054%); highest among the groups gnomAD compares: Non-Finnish European, 0.0067%; no homozygotes.

Submissions (13):

Myriad Genetics, Inc.
Classification: Likely benign for Gastrointestinal stromal tumor. Last evaluated: 2026-05-26. Review status: criteria provided, single submitter. Criteria: Myriad Autosomal Dominant, Autosomal Recessive and X-Linked Classification Criteria (2023). Collection method: clinical testing. Allele origin: unknown.
Comment: This variant is considered likely benign. This variant has been observed at a population frequency that is significantly greater than expected given the associated disease prevalence and penetrance.

CeGaT Center for Human Genetics Tuebingen
Classification: Uncertain significance. Last evaluated: 2026-03-01. Review status: criteria provided, single submitter. Criteria: CeGaT Center For Human Genetics Tuebingen Variant Classification Criteria Version 2. Collection method: clinical testing. Allele origin: germline. Affected: yes. Observed: 1 variant allele.

Labcorp Genetics (formerly Invitae), Labcorp
Classification: Uncertain significance for Gastrointestinal stromal tumor. Last evaluated: 2026-01-27. Review status: criteria provided, single submitter. Criteria: Invitae Variant Classification Sherloc (09022015). Collection method: clinical testing. Allele origin: germline.
Comment: This sequence change replaces valine, which is neutral and non-polar, with leucine, which is neutral and non-polar, at codon 50 of the KIT protein (p.Val50Leu). This variant is present in population databases (rs200950545, gnomAD 0.01%). This variant has not been reported in the literature in individuals affected with KIT-related conditions. ClinVar contains an entry for this variant (Variation ID: 409722). An algorithm developed to predict the effect of missense changes on protein structure and function (PolyPhen-2) suggests that this variant is likely to be tolerated. In summary, the available evidence is currently insufficient to determine the role of this variant in disease. Therefore, it has been classified as a Variant of Uncertain Significance.

PreventionGenetics, part of Exact Sciences
Classification: Uncertain significance for KIT-related condition. Last evaluated: 2025-04-07. Review status: criteria provided, single submitter. Criteria: ACMG Guidelines, 2015. Collection method: clinical testing. Allele origin: germline.
Comment: The KIT c.148G>T variant is predicted to result in the amino acid substitution p.Val50Leu. To our knowledge, this variant has not been reported in the literature. This variant is reported in 0.015% of alleles in individuals of European (Non-Finnish) descent in gnomAD and has conflicting interpretations of variant of uncertain significance and likely benign in ClinVar. Although we suspect that this variant may be benign, the clinical significance of this variant is classified as uncertain at this time due to insufficient functional and genetic evidence.

Laboratory of Genetics, Children's Clinical University Hospital Latvia
Classification: Benign. Last evaluated: 2025-02-16. Review status: criteria provided, single submitter. Criteria: ACMG Guidelines, 2015. Collection method: clinical testing. Allele origin: germline. Affected: yes.

GeneDx
Classification: Uncertain significance. Last evaluated: 2024-12-11. Review status: criteria provided, single submitter. Criteria: GeneDx Variant Classification Process June 2021. Collection method: clinical testing. Allele origin: germline.
Comment: In silico analysis indicates that this missense variant does not alter protein structure/function; Has not been previously published as pathogenic or benign to our knowledge

Ambry Genetics
Classification: Likely benign for Hereditary cancer-predisposing syndrome. Last evaluated: 2024-12-05. Review status: criteria provided, single submitter. Criteria: Ambry Variant Classification Scheme 2023. Collection method: clinical testing. Allele origin: germline.

Molecular Pathology, Peter Maccallum Cancer Centre
Classification: Uncertain significance for Hereditary cancer-predisposing syndrome. Last evaluated: 2024-07-25. Review status: criteria provided, single submitter. Criteria: ACMG Guidelines, 2015. Collection method: clinical testing. Allele origin: germline.

Fulgent Genetics
Classification: Uncertain significance for Cutaneous mastocytosis; Piebaldism; Germ cell tumor of testis; Acute myeloid leukemia; Gastrointestinal stromal tumor. Last evaluated: 2024-01-11. Review status: criteria provided, single submitter. Criteria: ACMG Guidelines, 2015. Collection method: clinical testing. Allele origin: germline.

Institute for Clinical Genetics, University Hospital TU Dresden, University Hospital TU Dresden
Classification: Uncertain significance. Last evaluated: 2021-11-03. Review status: criteria provided, single submitter. Criteria: ACMG Guidelines, 2015. Collection method: clinical testing. Allele origin: germline.

Illumina Laboratory Services, Illumina
Classification: Uncertain significance for Piebaldism. Last evaluated: 2018-01-12. Review status: criteria provided, single submitter. Criteria: ICSL Variant Classification Criteria 13 December 2019. Collection method: clinical testing. Allele origin: germline.

Illumina Laboratory Services, Illumina
Classification: Uncertain significance for Gastrointestinal stromal tumor. Last evaluated: 2018-01-12. Review status: criteria provided, single submitter. Criteria: ICSL Variant Classification Criteria 13 December 2019. Collection method: clinical testing. Allele origin: germline.

Illumina Laboratory Services, Illumina
Classification: Uncertain significance for Cutaneous mastocytosis. Last evaluated: 2018-01-12. Review status: criteria provided, single submitter. Criteria: ICSL Variant Classification Criteria 13 December 2019. Collection method: clinical testing. Allele origin: germline.

NM_000222.3(KIT):c.148G>T (p.Val50Leu)

Gene: KIT (KIT proto-oncogene, receptor tyrosine kinase; plus strand). Cytogenetic location: 4q12.
Variant type: single nucleotide variant.
Coding change: c.148G>T on transcript NM_000222.3 (MANE Select); coding-DNA position 148, G replaced by T.
Protein change: p.Val50Leu; replaces valine 50 with leucine.
Molecular consequence: missense variant.
Genome position (GRCh38, 1-based): chr4:54,695,592, G>T. VCF-style: chr4-54695592-G-T. GRCh37 (hg19) VCF-style: chr4-55561758-G-T.
Other names: c.148G>T, p.Val50Leu (NM_001093772.2, NM_001385284.1, NM_001385285.1 and 4 more transcripts); short protein forms V50L.
Identifiers: ClinVar variation 409722 (VCV000409722.32), dbSNP rs200950545, ClinGen allele CA2923171.
Genomic context (GRCh38, chr4:54,695,592, plus strand): 5'-AGTCCAGGGGAACCGTCTCCACCATCCATCCATCCAGGAAAATCAGACTTAATAGTCCGC[G>T]TGGGCGACGAGATTAGGCTGTTATGCACTGATCCGGGCTTTGTCAAATGGACTTTTGAGA-3'
Protein context (NP_000213.1, residues 40-60): HPGKSDLIVR[Val50Leu]GDEIRLLCTD